The following is an entry in ClinVar:

ClinVar aggregate classification (germline): Uncertain significance (1 of 4 stars; one submission).

Conditions:
Bloom syndrome (BLM). Also called: Bloom-Torre-Machacek syndrome. Identifiers: Orphanet 125, MedGen C0005859, MONDO:0008876, OMIM 210900.

Submission:

Labcorp Genetics (formerly Invitae), Labcorp
Classification: Uncertain significance for Bloom syndrome. Last evaluated: 2024-09-08. Review status: criteria provided, single submitter. Criteria: Invitae Variant Classification Sherloc (09022015). Collection method: clinical testing. Allele origin: germline.
Comment: This sequence change replaces threonine, which is neutral and polar, with arginine, which is basic and polar, at codon 201 of the BLM protein (p.Thr201Arg). This variant is not present in population databases (gnomAD no frequency). This variant has not been reported in the literature in individuals affected with BLM-related conditions. An algorithm developed to predict the effect of missense changes on protein structure and function (PolyPhen-2) suggests that this variant is likely to be tolerated. In summary, the available evidence is currently insufficient to determine the role of this variant in disease. Therefore, it has been classified as a Variant of Uncertain Significance.

NM_000057.4(BLM):c.602C>G (p.Thr201Arg)

Gene: BLM (BLM RecQ like helicase; plus strand). Cytogenetic location: 15q26.1.
Variant type: single nucleotide variant.
Coding change: c.602C>G on transcript NM_000057.4 (MANE Select); coding-DNA position 602, C replaced by G.
Protein change: p.Thr201Arg; replaces threonine 201 with arginine.
Molecular consequence: missense variant. On other transcripts: 5 prime UTR variant (1).
Genome position (GRCh38, 1-based): chr15:90,749,870, C>G. VCF-style: chr15-90749870-C-G. GRCh37 (hg19) VCF-style: chr15-91293100-C-G.
Other names: c.602C>G, p.Thr201Arg (NM_001287246.2, NM_001287247.2); c.-690C>G (NM_001287248.2); short protein forms T201R.
Identifiers: ClinVar variation 3666352 (VCV003666352.2).